The following continues an entry in ClinVar:

NM_000152.5(GAA):c.1441T>C (p.Trp481Arg)

Gene: GAA. ClinVar aggregate classification (germline): Pathogenic. Pathogenic (1).

Submissions 8 to 15 of 15:

ARUP Laboratories, Molecular Genetics and Genomics, ARUP Laboratories
Classification: Likely pathogenic for Glycogen storage disease, type II. Last evaluated: 2023-12-01. Review status: criteria provided, single submitter. Criteria: ARUP Molecular Germline Variant Investigation Process 2024. Collection method: clinical testing. Allele origin: germline. Not counted in ClinVar's aggregate classification.
Comment: The GAA c.1441T>C; p.Trp481Arg variant (rs772883420) is reported in the literature in individuals with glycogen storage disease who carry an additional pathogenic GAA variant (Raben 1999, Tsai 2017, van der Meijden 2018). The p.Trp481Arg variant is also reported in ClinVar (Variation ID: 189007). It is observed in the general population with an overall allele frequency of 0.002% (6/282252 alleles) in the Genome Aggregation Database (v2.1.1). Computational analyses predict that this variant is deleterious (REVEL: 0.967). In support of these predictions, functional characterization of the variant protein shows altered function (Flanagan 2009, Hermans 2004). Based on available information, this variant is considered to be likely pathogenic. References: Flanagan JJ et al. The pharmacological chaperone 1-deoxynojirimycin increases the activity and lysosomal trafficking of multiple mutant forms of acid alpha-glucosidase. Hum Mutat. 2009 Dec;30(12):1683-92. PMID: 19862843. Hermans MM et al. Twenty-two novel mutations in the lysosomal alpha-glucosidase gene (GAA) underscore the genotype-phenotype correlation in glycogen storage disease type II. Hum Mutat. 2004 Jan;23(1):47-56. PMID: 14695532. Raben N et al. Lee E, Lee L, Hirschhorn R, Plotz PH. Novel mutations in African American patients with glycogen storage disease Type II. Mutations in brief no. 209. Online. Hum Mutat. 1999;13(1):83-4. PMID: 10189220. Tsai AC et al. Next generation deep sequencing corrects diagnostic pitfalls of traditional molecular approach in a patient with prenatal onset of Pompe disease. Am J Med Genet A. 2017 Sep;173(9):2500-2504. PMID: 28657663. van der Meijden JC et al. Long-term follow-up of 17 patients with childhood Pompe disease treated with enzyme replacement therapy. J Inherit Metab Dis. 2018 Nov;41(6):1205-1214. PMID: 29556838.

Revvity Omics, Revvity
Classification: Pathogenic. Last evaluated: 2023-06-28. Review status: criteria provided, single submitter. Criteria: ACMG Guidelines, 2015. Collection method: clinical testing. Allele origin: germline. Not counted in ClinVar's aggregate classification.

GeneDx
Classification: Pathogenic. Last evaluated: 2022-10-12. Review status: criteria provided, single submitter. Criteria: GeneDx Variant Classification Process June 2021. Collection method: clinical testing. Allele origin: germline. Affected: yes. Not counted in ClinVar's aggregate classification.
Comment: Not observed at a significant frequency in large population cohorts (gnomAD); In silico analysis supports that this missense variant has a deleterious effect on protein structure/function; This variant is associated with the following publications: (PMID: 31254424, 19862843, 21228398, 28657663, 22676651, 18757064, 15501829, 16580018, 31086307, 10189220, 14695532, 26497565, 27189384, 33202836, 29556838, 27535533, 22253258, 19343043)

AiLife Diagnostics
Classification: Pathogenic. Last evaluated: 2021-10-12. Review status: criteria provided, single submitter. Criteria: ACMG Guidelines, 2015. Collection method: clinical testing. Allele origin: germline. Affected: yes. Observed: 1 variant allele. Not counted in ClinVar's aggregate classification.

Broad Center for Mendelian Genomics, Broad Institute of MIT and Harvard
Classification: Pathogenic for Glycogen storage disease, type II. Last evaluated: 2020-01-22. Review status: criteria provided, single submitter. Criteria: ACMG Guidelines, 2015. Collection method: curation. Allele origin: germline. Inheritance: Autosomal recessive inheritance. Not counted in ClinVar's aggregate classification.
Comment: The p.Trp481Arg variant in GAA has been reported in 6 individuals (including 1 African American and 1 German individuals) with Glycogen Storage Disease II (PMID: 27189384, 18757064, 10189220, 19862843, 26497565, 22676651, 14695532, 28657663), and has also been reported likely pathogenic by Counsyl and pathogenic by Invitae and Integrated Genetics in ClinVar (Variation ID: 189007). This variant has been identified in 0.008% (2/24904) of African chromosomes and 0.003% (4/128730) of European (non-Finnish) chromosomes by the Genome Aggregation Database (gnomAD; dbSNP rs772883420). Although this variant has been seen in the general population, its frequency is low enough to be consistent with a recessive carrier frequency. In vitro functional studies provide some evidence that the p.Trp481Arg variant may impact ligand binding and GAA activity but not GAA levels (PMID: 19862843, 14695532, 15501829). However, these types of assays may not accurately represent biological function. Computational prediction tools and conservation analyses suggest that this variant may impact the protein, though this information is not predictive enough to determine pathogenicity. The presence of this variant in combination with pathogenic variants and in individuals with Glycogen Storage Disease II increases the likelihood that the p.Trp481Arg variant is pathogenic (PMID: 26497565, 22676651, 27189384, 28657663). The phenotype of individuals heterozygous for this variant is highly specific for Glycogen Storage Disease II based on very low GAA activity in assays with relevant tissue (PMID: 26497565, 22676651, 27189384, 28657663). In summary, this variant meets criteria to be classified as pathogenic for p.Trp481Arg in an autosomal recessive manner based on in vitro functional evidence and multiple occurrences with pathogenic variants in individuals with Glycogen Storage Disease II. ACMG/AMP Criteria applied: PS3, PM2, PM3, PP3, PP4 (Richards 2015).

Women's Health and Genetics/Laboratory Corporation of America, LabCorp
Classification: Pathogenic for Glycogen storage disease, type II. Last evaluated: 2018-06-22. Review status: criteria provided, single submitter. Criteria: LabCorp Variant Classification Summary - May 2015. Collection method: clinical testing. Allele origin: germline. Not counted in ClinVar's aggregate classification.
Comment: Variant summary: GAA c.1441T>C (p.Trp481Arg) results in a non-conservative amino acid change in the encoded protein sequence. Five of five in-silico tools predict a damaging effect of the variant on protein function. The variant allele was found at a frequency of 2.2e-05 in 276888 control chromosomes. c.1441T>C has been reported in the literature in individuals affected with Glycogen Storage Disease, Type 2 (Pompe Disease), with reported severely deficient GAA enzyme activity (Tsai_2017, Hermans_2004, Herzog_2012, Raben_1998, van Capelle2016). These data indicate that the variant is likely to be associated with disease. No clinical diagnostic laboratories have submitted clinical-significance assessments for this variant to ClinVar after 2014. Based on the evidence outlined above, the variant was classified as pathogenic.

Knight Diagnostic Laboratories, Oregon Health and Sciences University
Classification: Likely pathogenic for Glycogen storage disease II. Last evaluated: 2017-02-09. Review status: criteria provided, single submitter. Criteria: ACMG Guidelines, 2015. Collection method: clinical testing. Allele origin: germline. Observed: 1 variant allele. Not counted in ClinVar's aggregate classification.

Counsyl
Classification: Likely pathogenic for Glycogen storage disease, type II. Last evaluated: 2014-10-10. Review status: no assertion criteria provided. Collection method: literature only. Allele origin: unknown. Inheritance: Autosomal recessive inheritance. Not counted in ClinVar's aggregate classification.

Literature cited by the submitters: PubMed 40562809 (cited by Genomenon, Inc); PubMed 35787971 (cited by Genomenon, Inc and Ambry Genetics); PubMed 34357340 (cited by Genomenon, Inc); PubMed 31193175 (cited by Genomenon, Inc and Ambry Genetics); PubMed 26497565 (cited by 3 submitters); PubMed 28657663 (cited by 5 submitters); PubMed 27189384 (cited by Genomenon, Inc and Broad Center for Mendelian Genomics, Broad Institute of MIT and Harvard); PubMed 22676651 (cited by 4 submitters); PubMed 14695532 (cited by 7 submitters); PubMed 19862843 (cited by 5 submitters); PubMed 18757064 (cited by Labcorp Genetics (formerly Invitae), Labcorp and Counsyl); PubMed 10189220 (cited by 6 submitters); PubMed 33202836 (cited by Ambry Genetics and AiLife Diagnostics); PubMed 33972680 (cited by Ambry Genetics); PubMed 31086307 (cited by 3 submitters); PubMed 9862843 (cited by Mayo Clinic Laboratories, Mayo Clinic); PubMed 21228398 (cited by AiLife Diagnostics and Counsyl); PubMed 29556838 (cited by AiLife Diagnostics); PubMed 15501829 (cited by Broad Center for Mendelian Genomics, Broad Institute of MIT and Harvard and Counsyl); PubMed 16580018 (cited by Counsyl).